The following is an entry in ClinVar:

ClinVar aggregate classification (germline): Pathogenic (1 of 4 stars; one submission).

Conditions:
Autosomal dominant polycystic kidney disease. Identifiers: Orphanet 730, MedGen C0085413, MONDO:0004691.

Submission:

Molecular Genetics, Royal Melbourne Hospital
Classification: Pathogenic for Autosomal dominant polycystic kidney disease. Last evaluated: 2024-09-08. Review status: criteria provided, single submitter. Criteria: ACMG Guidelines, 2015. Collection method: clinical testing. Allele origin: germline. Inheritance: Autosomal dominant inheritance. Affected: yes.
Comment: This sequence change in PKD1 is a frameshift variant predicted to create a premature stop codon, p.(Val1133Leufs*4), in biologically relevant exon 15/46 leading to nonsense-mediated decay in a gene in which loss-of-function is an established disease mechanism (PMID: 25491204, 24694054, 29529603). Loss-of-function variants are a well-established cause of disease in exon 15 (ClinVar). This variant is absent from the population database gnomAD v4.1. This variant has been detected in at least one individual with autosomal dominant polycystic kidney disease (Melbourne Health Pathology). Based on the classification scheme RMH Modified ACMG/AMP Guidelines v1.7.0, this variant is classified as PATHOGENIC. Following criteria are met: PVS1, PM2_Supporting, PM5_Supporting, PS4_Supporting

Literature cited by the submitters: PubMed 24694054; PubMed 25491204; PubMed 29529603.

NM_001009944.3(PKD1):c.3388_3395dup (p.Val1133fs)

Gene: PKD1 (polycystin 1, transient receptor potential channel interacting; minus strand). Cytogenetic location: 16p13.3.
Variant type: Duplication.
Coding change: c.3388_3395dup on transcript NM_001009944.3 (MANE Select); coding-DNA positions 3388 to 3395, 8 bases duplicated (GCTGTGGG; older notation c.3388_3395dupGCTGTGGG).
Protein change: p.Val1133fs; shifts the reading frame from valine 1133.
Molecular consequence: frameshift variant.
Genome position (GRCh38, 1-based): chr16:2,111,772-2,111,779, CCCACAGC duplicated on the plus strand (GCTGTGGG on the coding strand, the reverse complement: PKD1 is on the minus strand); duplicating any 8 consecutive bases within chr16:2,111,772-2,111,780 gives the same sequence; the c. name uses the placement nearest the transcript's 3' end. VCF-style (leftmost placement, unchanged base first): chr16-2111771-A-ACCCACAGC. GRCh37 (hg19) VCF-style: chr16-2161772-A-ACCCACAGC.
Other names: c.3388_3395dupGCTGTGGG (NM_001009944.3); c.3388_3395dup, p.Val1133fs (NM_000296.4); short protein forms V1133fs.
Identifiers: ClinVar variation 3773764 (VCV003773764.1).